The following is an entry in ClinVar:

ClinVar aggregate classification (germline): Uncertain significance (1 of 4 stars; one submission).

Conditions:
Cataract 6 multiple types. Also called: CATARACT 6, POSTERIOR POLAR; CATARACT 6, CONGENITAL TOTAL; CATARACT, AGE-RELATED CORTICAL, 2. Identifiers: Orphanet 91492, MedGen C1861825, MONDO:0007288, OMIM 116600.

Allele frequency attached by ClinVar (database versions not stated): ExAC 0.00001; gnomAD exomes 0.00001; ESP Exome Variant Server 0.00008.
gnomAD v4.1: 12 of 1,613,944 alleles (0.00074%); highest among the groups gnomAD compares: Admixed American, 0.005%; no homozygotes.

Submission:

Labcorp Genetics (formerly Invitae), Labcorp
Classification: Uncertain significance for Cataract 6 multiple types. Last evaluated: 2023-11-22. Review status: criteria provided, single submitter. Criteria: Invitae Variant Classification Sherloc (09022015). Collection method: clinical testing. Allele origin: germline.
Comment: This sequence change replaces arginine, which is basic and polar, with cysteine, which is neutral and slightly polar, at codon 486 of the EPHA2 protein (p.Arg486Cys). This variant is present in population databases (rs143490496, gnomAD 0.009%). This variant has not been reported in the literature in individuals affected with EPHA2-related conditions. Advanced modeling of protein sequence and biophysical properties (such as structural, functional, and spatial information, amino acid conservation, physicochemical variation, residue mobility, and thermodynamic stability) performed at Invitae indicates that this missense variant is not expected to disrupt EPHA2 protein function with a negative predictive value of 80%. In summary, the available evidence is currently insufficient to determine the role of this variant in disease. Therefore, it has been classified as a Variant of Uncertain Significance.

NM_004431.5(EPHA2):c.1456C>T (p.Arg486Cys)

Gene: EPHA2 (EPH receptor A2; minus strand). Cytogenetic location: 1p36.13.
Variant type: single nucleotide variant.
Coding change: c.1456C>T on transcript NM_004431.5 (MANE Select); coding-DNA position 1456, C replaced by T.
Protein change: p.Arg486Cys; replaces arginine 486 with cysteine.
Molecular consequence: missense variant.
Genome position (GRCh38, 1-based): chr1:16,135,162, G>A on the plus strand (C>T on the coding strand, the complement: EPHA2 is on the minus strand). VCF-style: chr1-16135162-G-A. GRCh37 (hg19) VCF-style: chr1-16461657-G-A.
Other names: c.1294C>T, p.Arg432Cys (NM_001329090.2); short protein forms R486C, R432C.
Identifiers: ClinVar variation 2893362 (VCV002893362.3), dbSNP rs143490496, ClinGen allele CA625169.
Genomic context (GRCh38, chr1:16,135,162, plus strand): 5'-GGACCAGGTAGGTGGTGTCTGGGGCCAGGTCGTCCAGGGTCACGGAGAAACCCTCGGTGC[G>A]GCGCACATTGTAGCTGTTGGAGTCTCCCTGTGGGTGGGTGGCCGGCGGAGGAGCAGGCAG-3'
Protein context (NP_004422.2, residues 476-496): KGDSNSYNVR[Arg486Cys]TEGFSVTLDD